The following is an entry in ClinVar:

ClinVar aggregate classification (germline): Uncertain significance (1 of 4 stars; one submission).

gnomAD v4.1: 107 of 1,542,836 alleles (0.0069%); highest among the groups gnomAD compares: Admixed American, 0.037%; no homozygotes.

Submission:

Labcorp Genetics (formerly Invitae), Labcorp
Classification: Uncertain significance. Last evaluated: 2025-11-25. Review status: criteria provided, single submitter. Criteria: Invitae Variant Classification Sherloc (09022015). Collection method: clinical testing. Allele origin: germline.
Comment: This sequence change replaces valine, which is neutral and non-polar, with methionine, which is neutral and non-polar, at codon 236 of the GCGR protein (p.Val236Met). This variant is present in population databases (rs781413720, gnomAD 0.06%), and has an allele count higher than expected for a pathogenic variant. This variant has not been reported in the literature in individuals affected with GCGR-related conditions. An algorithm developed to predict the effect of missense changes on protein structure and function outputs the following: PolyPhen-2: "Benign". The methionine amino acid residue is found in multiple mammalian species, which suggests that this missense change does not adversely affect protein function. In summary, the available evidence is currently insufficient to determine the role of this variant in disease. Therefore, it has been classified as a Variant of Uncertain Significance.

NM_000160.5(GCGR):c.706G>A (p.Val236Met)

Gene: GCGR (glucagon receptor; plus strand). Cytogenetic location: 17q25.3.
Variant type: single nucleotide variant.
Coding change: c.706G>A on transcript NM_000160.5 (MANE Select); coding-DNA position 706, G replaced by A.
Protein change: p.Val236Met; replaces valine 236 with methionine.
Molecular consequence: missense variant.
Genome position (GRCh38, 1-based): chr17:81,811,699, G>A. VCF-style: chr17-81811699-G-A. GRCh37 (hg19) VCF-style: chr17-79769575-G-A.
Other names: short protein forms V236M.
Identifiers: ClinVar variation 4810571 (VCV004810571.1).
Genomic context (GRCh38, chr17:81,811,699, plus strand): 5'-CACCTGTACCAGGCGGTGGCTGGCTGCCGTGTGGCCGCGGTGTTCATGCAATATGGCATC[G>A]TGGCCAACTACTGCTGGCTGCTGGTGGAGGGCCTGTACCTGCACAACCTGCTGGGCCTGG-3'
Protein context (NP_000151.1, residues 226-246): VAAVFMQYGI[Val236Met]ANYCWLLVEG